The following is an entry in ClinVar:

NM_001123385.2(BCOR):c.799C>G (p.Leu267Val)

Genes: BCOR (BCL6 corepressor; minus strand), LOC126863239 (MED14-independent group 3 enhancer GRCh37_chrX:39932994-39934193; plus strand). Cytogenetic location: Xp11.4.
Variant type: single nucleotide variant.
Coding change: c.799C>G on transcript NM_001123385.2 (MANE Select); coding-DNA position 799, C replaced by G.
Protein change: p.Leu267Val; replaces leucine 267 with valine.
Molecular consequence: missense variant.
Genome position (GRCh38, 1-based): chrX:40,074,547, G>C on the plus strand (C>G on the coding strand, the complement: BCOR is on the minus strand). VCF-style: chrX-40074547-G-C. GRCh37 (hg19) VCF-style: chrX-39933800-G-C.
Other names: c.799C>G, p.Leu267Val (NM_001123383.2, NM_001123384.2, NM_017745.6); short protein forms L267V.
Identifiers: ClinVar variation 1995845 (VCV001995845.4), dbSNP rs2520085708, ClinGen allele CA412747952.

ClinVar aggregate classification (germline): Uncertain significance (1 of 4 stars; one submission).

Conditions:
Oculofaciocardiodental syndrome (MCOPS2). Identifiers: Orphanet 2712, MedGen C1846265, MONDO:0010261, OMIM 300166.

Submission:

Labcorp Genetics (formerly Invitae), Labcorp
Classification: Uncertain significance for Oculofaciocardiodental syndrome. Last evaluated: 2022-05-18. Review status: criteria provided, single submitter. Criteria: Invitae Variant Classification Sherloc (09022015). Collection method: clinical testing. Allele origin: germline.
Comment: In summary, the available evidence is currently insufficient to determine the role of this variant in disease. Therefore, it has been classified as a Variant of Uncertain Significance. This sequence change replaces leucine, which is neutral and non-polar, with valine, which is neutral and non-polar, at codon 267 of the BCOR protein (p.Leu267Val). This variant is not present in population databases (gnomAD no frequency). This variant has not been reported in the literature in individuals affected with BCOR-related conditions. Algorithms developed to predict the effect of missense changes on protein structure and function are either unavailable or do not agree on the potential impact of this missense change (SIFT: "Deleterious"; PolyPhen-2: "Benign"; Align-GVGD: "Class C25").